The following is an entry in ClinVar:

ClinVar aggregate classification (germline): Uncertain significance (1 of 4 stars; one submission).

Submission:

CeGaT Center for Human Genetics Tuebingen
Classification: Uncertain significance. Last evaluated: 2025-01-01. Review status: criteria provided, single submitter. Criteria: CeGaT Center For Human Genetics Tuebingen Variant Classification Criteria Version 2. Collection method: clinical testing. Allele origin: germline. Affected: yes. Observed: 1 variant allele.
Comment: HEPACAM: PM2

NM_152722.5(HEPACAM):c.1012C>T (p.Pro338Ser)

Gene: HEPACAM (hepatic and glial cell adhesion molecule; minus strand). Cytogenetic location: 11q24.2.
Variant type: single nucleotide variant.
Coding change: c.1012C>T on transcript NM_152722.5 (MANE Select); coding-DNA position 1012, C replaced by T.
Protein change: p.Pro338Ser; replaces proline 338 with serine.
Molecular consequence: missense variant.
Genome position (GRCh38, 1-based): chr11:124,921,377, G>A on the plus strand (C>T on the coding strand, the complement: HEPACAM is on the minus strand). VCF-style: chr11-124921377-G-A. GRCh37 (hg19) VCF-style: chr11-124791273-G-A.
Other names: c.1168C>T, p.Pro390Ser (NM_001411043.1); short protein forms P338S, P390S.
Identifiers: ClinVar variation 3772291 (VCV003772291.13).